The following is an entry in ClinVar:

NM_000052.7(ATP7A):c.4226+11T>C

Gene: ATP7A (ATPase copper transporting alpha; plus strand). Cytogenetic location: Xq21.1.
Variant type: single nucleotide variant.
Coding change: c.4226+11T>C on transcript NM_000052.7 (MANE Select); 11 bases into the intron after coding-DNA position 4226, T replaced by C.
Molecular consequence: intron variant.
Genome position (GRCh38, 1-based): chrX:78,045,583, T>C. VCF-style: chrX-78045583-T-C. GRCh37 (hg19) VCF-style: chrX-77301080-T-C.
Other names: c.3992+11T>C (NM_001282224.2).
Identifiers: ClinVar variation 210475 (VCV000210475.25), dbSNP rs200009243, ClinGen allele CA205645.

ClinVar aggregate classification (germline): Benign/Likely benign. Review status: criteria provided, multiple submitters, no conflicts (2 of 4 stars). 10 submissions from 10 submitters: Benign (6); Likely benign (2). 2 of the submissions do not count toward it. Last evaluated 2026-02-04.

Conditions:
Inborn genetic diseases. Identifiers: MedGen C0950123, MeSH D030342.
Menkes kinky-hair syndrome (MNK). Also called: Menkes Disease; Copper transport disease; Classic Menkes Disease. Identifiers: Orphanet 565, MedGen C0022716, MONDO:0010651, OMIM 309400.
Cutis laxa, X-linked (OHS). Also called: EDS IX; Occipital horn syndrome. Identifiers: Orphanet 198, MedGen C0268353, MONDO:0010572, OMIM 304150.
X-linked distal spinal muscular atrophy type 3. Also called: SPINAL MUSCULAR ATROPHY, DISTAL, X-LINKED RECESSIVE; NEURONOPATHY, DISTAL HEREDITARY MOTOR, X-LINKED; NEUROPATHY, DISTAL HEREDITARY MOTOR, X-LINKED; ATP7A-Related Distal Motor Neuropathy. Identifiers: Orphanet 139557, MedGen C1845359, MONDO:0010338, OMIM 300489.

Allele frequency attached by ClinVar (database versions not stated): gnomAD 0.00383 and 0.00473; TOPMed 0.00404; ESP Exome Variant Server 0.00436; gnomAD exomes 0.00693; 1000 Genomes Project 30x 0.00770; 1000 Genomes Project 0.00927.
gnomAD v4.1: 7,933 of 1,163,917 alleles (0.68%); highest among the groups gnomAD compares: South Asian, 4.7%; 68 homozygotes.

Submissions (10):

Labcorp Genetics (formerly Invitae), Labcorp
Classification: Benign for X-linked distal spinal muscular atrophy type 3; Cutis laxa, X-linked; Menkes kinky-hair syndrome. Last evaluated: 2026-02-04. Review status: criteria provided, single submitter. Criteria: Invitae Variant Classification Sherloc (09022015). Collection method: clinical testing. Allele origin: germline.

ARUP Laboratories, Molecular Genetics and Genomics, ARUP Laboratories
Classification: Benign. Last evaluated: 2024-06-18. Review status: criteria provided, single submitter. Criteria: ARUP Molecular Germline Variant Investigation Process 2024. Collection method: clinical testing. Allele origin: germline.

Eurofins Ntd Llc (ga)
Classification: Benign. Last evaluated: 2017-02-06. Review status: criteria provided, single submitter. Criteria: EGL Classification Definitions 2015. Collection method: clinical testing. Allele origin: germline. Observed: 1 variant allele, 1 hemizygote.

GeneDx
Classification: Benign. Last evaluated: 2015-11-12. Review status: criteria provided, single submitter. Criteria: GeneDx Variant Classification (06012015). Collection method: clinical testing. Allele origin: germline. Affected: yes.
Comment: This variant is considered likely benign or benign based on one or more of the following criteria: it is a conservative change, it occurs at a poorly conserved position in the protein, it is predicted to be benign by multiple in silico algorithms, and/or has population frequency not consistent with disease.

Ambry Genetics
Classification: Benign for Inborn genetic diseases. Last evaluated: 2015-08-18. Review status: criteria provided, single submitter. Criteria: Ambry Variant Classification Scheme 2023. Collection method: clinical testing. Allele origin: germline.

Genetic Services Laboratory, University of Chicago
Classification: Benign. Last evaluated: 2013-02-08. Review status: criteria provided, single submitter. Criteria: ACMG Guidelines, 2007. Collection method: clinical testing. Allele origin: germline.

Breakthrough Genomics
Classification: Likely benign. Review status: criteria provided, single submitter. Criteria: ACMG Guidelines, 2015. Collection method: not provided. Allele origin: germline. Inheritance: X-linked inheritance. Affected: yes.

PreventionGenetics, part of Exact Sciences
Classification: Likely benign. Review status: criteria provided, single submitter. Criteria: ACMG Guidelines, 2015. Collection method: clinical testing. Allele origin: germline.

Clinical Genetics DNA and cytogenetics Diagnostics Lab, Erasmus MC, Erasmus Medical Center
Classification: Benign. Review status: no assertion criteria provided. Collection method: clinical testing. Allele origin: germline. Affected: yes. Study: VKGL Data-share Consensus. Not counted in ClinVar's aggregate classification.

Clinical Genetics, Academic Medical Center
Classification: Benign. Review status: no assertion criteria provided. Collection method: clinical testing. Allele origin: germline. Affected: yes. Study: VKGL Data-share Consensus. Not counted in ClinVar's aggregate classification.